The following is an entry in ClinVar:

ClinVar aggregate classification (germline): Pathogenic. Review status: criteria provided, single submitter (1 of 4 stars). 2 submissions from 2 submitters: Pathogenic (1). 1 of the submissions does not count toward it. Last evaluated 2025-05-30.

Conditions:
Retinitis pigmentosa 12 (RP12). Also called: RP WITH OR WITHOUT PPRPE; RP WITH OR WITHOUT PRESERVED PARAARTERIOLE RETINAL PIGMENT EPITHELIUM; RETINITIS PIGMENTOSA WITH OR WITHOUT PARAARTERIOLAR PRESERVATION OF RETINAL PIGMENT EPITHELIUM. Identifiers: Orphanet 791, MedGen C1838647, MONDO:0010818, OMIM 600105.
Leber congenital amaurosis 8 (LCA8). Identifiers: Orphanet 65, MedGen C3151202, MONDO:0013453, OMIM 613835.

Allele frequency attached by ClinVar (database versions not stated): gnomAD below 0.00001 and 0.00001.
gnomAD v4.1: 1 of 1,613,972 alleles (0.000062%); highest among the groups gnomAD compares: South Asian, 0.0011%; no homozygotes.

Submissions (2):

Labcorp Genetics (formerly Invitae), Labcorp
Classification: Pathogenic for Leber congenital amaurosis 8; Retinitis pigmentosa 12. Last evaluated: 2025-05-30. Review status: criteria provided, single submitter. Criteria: Invitae Variant Classification Sherloc (09022015). Collection method: clinical testing. Allele origin: germline.
Comment: This sequence change creates a premature translational stop signal (p.Gln231*) in the CRB1 gene. It is expected to result in an absent or disrupted protein product. Loss-of-function variants in CRB1 are known to be pathogenic (PMID: 10508521, 22065545, 23379534, 25412400, 26957898, 28041643, 29391521). This variant is not present in population databases (gnomAD no frequency). This variant has not been reported in the literature in individuals affected with CRB1-related conditions. ClinVar contains an entry for this variant (Variation ID: 973923). For these reasons, this variant has been classified as Pathogenic.

Laboratory of Genetics in Ophthalmology, Institut Imagine
Classification: Pathogenic for Leber congenital amaurosis 8. Review status: no assertion criteria provided. Collection method: research. Allele origin: inherited. Affected: yes. Observed: 1 variant allele. Not counted in ClinVar's aggregate classification.

Literature cited by the submitters: PubMed 10508521 (cited by Labcorp Genetics (formerly Invitae), Labcorp); PubMed 22065545 (cited by Labcorp Genetics (formerly Invitae), Labcorp); PubMed 23379534 (cited by Labcorp Genetics (formerly Invitae), Labcorp); PubMed 25412400 (cited by Labcorp Genetics (formerly Invitae), Labcorp); PubMed 26957898 (cited by Labcorp Genetics (formerly Invitae), Labcorp); PubMed 28041643 (cited by Labcorp Genetics (formerly Invitae), Labcorp); PubMed 29391521 (cited by Labcorp Genetics (formerly Invitae), Labcorp).

NM_201253.3(CRB1):c.691C>T (p.Gln231Ter)

Gene: CRB1 (crumbs cell polarity complex component 1; plus strand). Cytogenetic location: 1q31.3.
Variant type: single nucleotide variant.
Coding change: c.691C>T on transcript NM_201253.3 (MANE Select); coding-DNA position 691, C replaced by T.
Protein change: p.Gln231Ter; replaces glutamine 231 with a stop codon.
Molecular consequence: nonsense. On other transcripts: non-coding transcript variant (2), intron variant (1).
Genome position (GRCh38, 1-based): chr1:197,344,319, C>T. VCF-style: chr1-197344319-C-T. GRCh37 (hg19) VCF-style: chr1-197313449-C-T.
Other names: c.484C>T, p.Gln162Ter (NM_001257965.2); c.691C>T, p.Gln231Ter (NM_001257966.2); c.653-12512C>T (NM_001193640.2); short protein forms Q162*, Q231*.
Identifiers: ClinVar variation 973923 (VCV000973923.6), dbSNP rs1659642763, ClinGen allele CA344083187.